The following is an entry in ClinVar:

NM_002529.4(NTRK1):c.1748G>A (p.Arg583His)

Gene: NTRK1 (neurotrophic receptor tyrosine kinase 1; plus strand). Cytogenetic location: 1q23.1.
Variant type: single nucleotide variant.
Coding change: c.1748G>A on transcript NM_002529.4 (MANE Select); coding-DNA position 1748, G replaced by A.
Protein change: p.Arg583His; replaces arginine 583 with histidine.
Molecular consequence: missense variant.
Genome position (GRCh38, 1-based): chr1:156,876,515, G>A. VCF-style: chr1-156876515-G-A. GRCh37 (hg19) VCF-style: chr1-156846307-G-A.
Other names: c.1640G>A, p.Arg547His (NM_001007792.1); c.1730G>A, p.Arg577His (NM_001012331.2); short protein forms R577H, R583H, R547H.
Identifiers: ClinVar variation 843290 (VCV000843290.9), dbSNP rs762542314, ClinGen allele CA342938622.

ClinVar aggregate classification (germline): Uncertain significance. Review status: criteria provided, multiple submitters, no conflicts (2 of 4 stars). 3 submissions from 3 submitters: Uncertain significance (3). Last evaluated 2023-04-11.

Conditions:
Hereditary insensitivity to pain with anhidrosis (CIPA). Also called: HSAN Type IV; NTRK1 Congenital Insensitivity to Pain with Anhidrosis; hereditary sensory and autonomic neuropathy type 4; FAMILIAL DYSAUTONOMIA, TYPE II; NEUROPATHY, CONGENITAL SENSORY, WITH ANHIDROSIS; INSENSITIVITY TO PAIN, CONGENITAL, WITH ANHIDROSIS. Identifiers: Orphanet 642, MedGen C0020074, MONDO:0009746, OMIM 256800.

Allele frequency attached by ClinVar (database versions not stated): TOPMed 0.00001.
gnomAD v4.1: 10 of 1,613,430 alleles (0.00062%); highest among the groups gnomAD compares: Admixed American, 0.005%; no homozygotes.

Submissions (3):

Genome-Nilou Lab
Classification: Uncertain significance for Hereditary insensitivity to pain with anhidrosis. Last evaluated: 2023-04-11. Review status: criteria provided, single submitter. Criteria: ACMG Guidelines, 2015. Collection method: clinical testing. Allele origin: germline. Affected: no.

Labcorp Genetics (formerly Invitae), Labcorp
Classification: Uncertain significance for Hereditary insensitivity to pain with anhidrosis. Last evaluated: 2022-08-16. Review status: criteria provided, single submitter. Criteria: Invitae Variant Classification Sherloc (09022015). Collection method: clinical testing. Allele origin: germline.
Comment: This sequence change replaces arginine, which is basic and polar, with histidine, which is basic and polar, at codon 577 of the NTRK1 protein (p.Arg577His). This variant is present in population databases (no rsID available, gnomAD 0.003%). This variant has not been reported in the literature in individuals affected with NTRK1-related conditions. ClinVar contains an entry for this variant (Variation ID: 843290). Advanced modeling of protein sequence and biophysical properties (such as structural, functional, and spatial information, amino acid conservation, physicochemical variation, residue mobility, and thermodynamic stability) performed at Invitae indicates that this missense variant is not expected to disrupt NTRK1 protein function. In summary, the available evidence is currently insufficient to determine the role of this variant in disease. Therefore, it has been classified as a Variant of Uncertain Significance.

GeneDx
Classification: Uncertain significance. Last evaluated: 2021-04-26. Review status: criteria provided, single submitter. Criteria: GeneDx Variant Classification Process June 2021. Collection method: clinical testing. Allele origin: germline. Affected: yes.
Comment: Not observed at a significant frequency in large population cohorts (Lek et al., 2016); In silico analysis supports that this missense variant does not alter protein structure/function; Has not been previously published as pathogenic or benign to our knowledge